The following is an entry in ClinVar:

ClinVar aggregate classification (germline): Uncertain significance. Review status: criteria provided, multiple submitters, no conflicts (2 of 4 stars). 5 submissions from 5 submitters: Uncertain significance (5). Last evaluated 2025-03-22.

Conditions:
Cardiomyopathy (CMYO). Also called: Cardiomyopathies. Identifiers: Orphanet 167848, MedGen C0878544, MONDO:0004994, HP:0001638. Inheritance: Various modes of inheritance.
Catecholaminergic polymorphic ventricular tachycardia (CVPT). Also called: Catecholamine-induced polymorphic ventricular tachycardia. Identifiers: Orphanet 3286, MedGen C5574922, MONDO:0017990.
Catecholaminergic polymorphic ventricular tachycardia 1. Also called: VENTRICULAR TACHYCARDIA, CATECHOLAMINERGIC POLYMORPHIC, 1, WITH OR WITHOUT ATRIAL DYSFUNCTION AND/OR DILATED CARDIOMYOPATHY; RYR2-Related Catecholaminergic Polymorphic Ventricular Tachycardia; VENTRICULAR TACHYCARDIA, STRESS-INDUCED POLYMORPHIC 1. Identifiers: Orphanet 3286, MedGen C1631597, MONDO:0011484, OMIM 604772.

gnomAD v4.1: 6 of 1,541,366 alleles (0.00039%); highest among the groups gnomAD compares: South Asian, 0.0012%; no homozygotes.

Submissions (5):

Labcorp Genetics (formerly Invitae), Labcorp
Classification: Uncertain significance for Catecholaminergic polymorphic ventricular tachycardia 1. Last evaluated: 2025-03-22. Review status: criteria provided, single submitter. Criteria: Invitae Variant Classification Sherloc (09022015). Collection method: clinical testing. Allele origin: germline.
Comment: This sequence change replaces arginine, which is basic and polar, with histidine, which is basic and polar, at codon 2772 of the RYR2 protein (p.Arg2772His). This variant is present in population databases (no rsID available, gnomAD 0.004%). This missense change has been observed in individual(s) with clinical features of RYR2-related conditions (PMID: 29247119). ClinVar contains an entry for this variant (Variation ID: 1800886). Invitae Evidence Modeling of protein sequence and biophysical properties (such as structural, functional, and spatial information, amino acid conservation, physicochemical variation, residue mobility, and thermodynamic stability) indicates that this missense variant is expected to disrupt RYR2 protein function with a positive predictive value of 80%. In summary, the available evidence is currently insufficient to determine the role of this variant in disease. Therefore, it has been classified as a Variant of Uncertain Significance.

Blueprint Genetics
Classification: Uncertain significance. Last evaluated: 2024-07-19. Review status: criteria provided, single submitter. Criteria: ACMG Guidelines, 2015. Collection method: clinical testing. Allele origin: germline.

All of Us Research Program, National Institutes of Health
Classification: Uncertain significance for Catecholaminergic polymorphic ventricular tachycardia. Last evaluated: 2023-10-30. Review status: criteria provided, single submitter. Criteria: ACMG Guidelines, 2015. Collection method: clinical testing. Allele origin: germline. Inheritance: Autosomal dominant inheritance. Observed: 1 variant allele, 1 heterozygote.
Comment: This missense variant replaces arginine with histidine at codon 2772 of the RYR2 protein. Computational prediction suggests that this variant may have deleterious impact on protein structure and function (internally defined REVEL score threshold >= 0.7, PMID: 27666373). To our knowledge, functional studies have not been reported for this variant. This variant has been reported in an individual affected with sudden unexplained death (PMID: 29247119). This variant has been identified in 1/154256 chromosomes in the general population by the Genome Aggregation Database (gnomAD). The available evidence is insufficient to determine the role of this variant in disease conclusively. Therefore, this variant is classified as a Variant of Uncertain Significance.

This study involves interpretation of variants in research participants for the purpose of population health screening. Participant phenotype was not available at the time of variant classification. Additional details can be found in publication PMID: 35346344, PMCID: PMC8962531

Color Diagnostics, LLC DBA Color Health
Classification: Uncertain significance for Cardiomyopathy. Last evaluated: 2023-03-16. Review status: criteria provided, single submitter. Criteria: ACMG Guidelines, 2015. Collection method: clinical testing. Allele origin: germline.
Comment: This missense variant replaces arginine with histidine at codon 2772 of the RYR2 protein. Computational prediction suggests that this variant may have deleterious impact on protein structure and function (internally defined REVEL score threshold >= 0.7, PMID: 27666373). To our knowledge, functional studies have not been reported for this variant. This variant has been reported in an individual affected with sudden unexplained death (PMID: 29247119). This variant has been identified in 1/154256 chromosomes in the general population by the Genome Aggregation Database (gnomAD). The available evidence is insufficient to determine the role of this variant in disease conclusively. Therefore, this variant is classified as a Variant of Uncertain Significance.

GeneDx
Classification: Uncertain significance. Last evaluated: 2022-05-25. Review status: criteria provided, single submitter. Criteria: GeneDx Variant Classification Process June 2021. Collection method: clinical testing. Allele origin: germline. Affected: yes.
Comment: Identified among a cohort of individuals with sudden unexplained death (Lin et al., 2017); Not observed at significant frequency in large population cohorts (gnomAD); In silico analysis supports that this missense variant has a deleterious effect on protein structure/function; Not located in one of the three hot-spot regions of the RYR2 gene, where the majority of pathogenic missense variants occur (Medeiros-Domingo et al., 2009); This variant is associated with the following publications: (PMID: 29247119)

Literature cited by the submitters: PubMed 29247119 (cited by 3 submitters).

NM_001035.3(RYR2):c.8315G>A (p.Arg2772His)

Gene: RYR2 (ryanodine receptor 2; plus strand). Cytogenetic location: 1q43.
Variant type: single nucleotide variant.
Coding change: c.8315G>A on transcript NM_001035.3 (MANE Select); coding-DNA position 8315, G replaced by A.
Protein change: p.Arg2772His; replaces arginine 2772 with histidine.
Molecular consequence: missense variant.
Genome position (GRCh38, 1-based): chr1:237,660,826, G>A. VCF-style: chr1-237660826-G-A. GRCh37 (hg19) VCF-style: chr1-237824126-G-A.
Other names: short protein forms R2772H.
Identifiers: ClinVar variation 1800886 (VCV001800886.7), dbSNP rs922927449, ClinGen allele CA39805969.